The following is an entry in ClinVar:

ClinVar aggregate classification (germline): Pathogenic. Review status: criteria provided, multiple submitters, no conflicts (2 of 4 stars). 2 submissions from 2 submitters: Pathogenic (2). Last evaluated 2024-12-20.

Conditions:
Cardiovascular phenotype. Identifiers: MedGen CN230736.
Alstrom syndrome (ALMS). Identifiers: Orphanet 64, MedGen C0268425, MONDO:0008763, OMIM 203800.

Submissions (2):

Ambry Genetics
Classification: Pathogenic for Cardiovascular phenotype. Last evaluated: 2024-12-20. Review status: criteria provided, single submitter. Criteria: Ambry Variant Classification Scheme 2023. Collection method: clinical testing. Allele origin: germline.
Comment: The c.11452_11453delAG pathogenic mutation, located in coding exon 16 of the ALMS1 gene, results from a deletion of two nucleotides at nucleotide positions 11452 to 11453, causing a translational frameshift with a predicted alternate stop codon (p.R3818Efs*4). This alteration is expected to result in loss of function by premature protein truncation or nonsense-mediated mRNA decay. As such, this alteration is interpreted as a disease-causing mutation.

Labcorp Genetics (formerly Invitae), Labcorp
Classification: Pathogenic for Alstrom syndrome. Last evaluated: 2024-07-10. Review status: criteria provided, single submitter. Criteria: Invitae Variant Classification Sherloc (09022015). Collection method: clinical testing. Allele origin: germline.
Comment: This sequence change creates a premature translational stop signal (p.Arg3818Glufs*4) in the ALMS1 gene. It is expected to result in an absent or disrupted protein product. Loss-of-function variants in ALMS1 are known to be pathogenic (PMID: 17594715). This variant is present in population databases (rs776599992, gnomAD 0.007%). This variant has not been reported in the literature in individuals affected with ALMS1-related conditions. ClinVar contains an entry for this variant (Variation ID: 652293). For these reasons, this variant has been classified as Pathogenic.

Literature cited by the submitters: PubMed 17594715 (cited by Labcorp Genetics (formerly Invitae), Labcorp).

NM_001378454.1(ALMS1):c.11449_11450del (p.Arg3817fs)

Gene: ALMS1 (ALMS1 centrosome and basal body associated protein; plus strand). Cytogenetic location: 2p13.1.
Variant type: Microsatellite.
Coding change: c.11449_11450del on transcript NM_001378454.1 (MANE Select); coding-DNA positions 11449 to 11450, 2 bases deleted (AG; older notation c.11449_11450delAG).
Protein change: p.Arg3817fs; shifts the reading frame from arginine 3817.
Molecular consequence: frameshift variant.
Genome position (GRCh38, 1-based): chr2:73,573,326-73,573,327, AG deleted; deleting any 2 consecutive bases within chr2:73,573,324-73,573,327 gives the same sequence; the c. name uses the placement nearest the transcript's 3' end. VCF-style (leftmost placement, unchanged base first): chr2-73573323-CAG-C. GRCh37 (hg19) VCF-style: chr2-73800450-CAG-C.
Other names: c.11452_11453del, p.Arg3818fs (NM_015120.4); c.11452_11453delAG (NM_015120.4); short protein forms R3818fs, R3817fs.
Identifiers: ClinVar variation 652293 (VCV000652293.7), dbSNP rs776599992, ClinGen allele CA1715196.
Genomic context (GRCh38, chr2:73,573,323, plus strand): 5'-CATGAAAGAGTATGCTTGTCACCCAGACGAATTAAATTATATAGCAGCATCACCAACCAA[CAG>C]AGGAGATACCTTGAGAAGCGGAGCAAACACAGCAAGAAAGTGCTGAATACAGGTCATCCC-3'